The following is an entry in ClinVar:

ClinVar aggregate classification (germline): Pathogenic/Likely pathogenic. Review status: criteria provided, multiple submitters, no conflicts (2 of 4 stars). 3 submissions from 3 submitters: Pathogenic (2); Likely pathogenic (1). Last evaluated 2025-02-04.

Conditions:
Hereditary cancer-predisposing syndrome. Also called: Tumor predisposition; Hereditary Cancer Syndrome; Hereditary neoplastic syndrome; Neoplastic Syndromes, Hereditary. Identifiers: Orphanet 140162, MedGen C0027672, MeSH D009386, MONDO:0015356.

Submissions (3):

Labcorp Genetics (formerly Invitae), Labcorp
Classification: Pathogenic. Last evaluated: 2025-02-04. Review status: criteria provided, single submitter. Criteria: Invitae Variant Classification Sherloc (09022015). Collection method: clinical testing. Allele origin: germline.
Comment: This sequence change creates a premature translational stop signal (p.Glu268*) in the NTHL1 gene. While this is not anticipated to result in nonsense mediated decay, it is expected to disrupt the last 45 amino acid(s) of the NTHL1 protein. This variant is not present in population databases (gnomAD no frequency). This variant has not been reported in the literature in individuals affected with NTHL1-related conditions. ClinVar contains an entry for this variant (Variation ID: 2087233). This variant disrupts a region of the NTHL1 protein in which other variant(s) ( p.Gln287*) have been determined to be pathogenic (PMID: 27329137, 28912133, 30753826; internal data). This suggests that this is a clinically significant region of the protein, and that variants that disrupt it are likely to be disease-causing. For these reasons, this variant has been classified as Pathogenic.

Ambry Genetics
Classification: Pathogenic for Hereditary cancer-predisposing syndrome. Last evaluated: 2024-07-02. Review status: criteria provided, single submitter. Criteria: Ambry Variant Classification Scheme 2023. Collection method: clinical testing. Allele origin: germline.
Comment: The p.E268* pathogenic mutation (also known as c.802G>T), located in coding exon 5 of the NTHL1 gene, results from a G to T substitution at nucleotide position 802. This changes the amino acid from a glutamic acid to a stop codon within coding exon 5. This alteration occurs at the 3' terminus of theNTHL1 gene, is not expected to trigger nonsense-mediated mRNA decay, and only impacts the last 14% of the protein. However, premature stop codons are typically deleterious in nature and the impacted region is critical for protein function (Ambry internal data). This variant is considered to be rare based on population cohorts in the Genome Aggregation Database (gnomAD). Based on the supporting evidence, this variant is interpreted as a disease-causing mutation.

Quest Diagnostics Nichols Institute San Juan Capistrano
Classification: Likely pathogenic. Last evaluated: 2024-01-24. Review status: criteria provided, single submitter. Criteria: Quest Diagnostics criteria. Collection method: clinical testing. Allele origin: unknown.
Comment: The NTHL1 c.802G>T (p.Glu268*) variant is predicted to cause the premature termination of NTHL1 protein synthesis. This variant has not been reported in individuals with NTHL1-related conditions in the published literature. This variant has not been reported in large, multi-ethnic general populations (Genome Aggregation Database). Based on the available information, this variant is classified as likely pathogenic.

Literature cited by the submitters: PubMed 27329137 (cited by Labcorp Genetics (formerly Invitae), Labcorp); PubMed 28912133 (cited by Labcorp Genetics (formerly Invitae), Labcorp); PubMed 30753826 (cited by Labcorp Genetics (formerly Invitae), Labcorp).

NM_002528.7(NTHL1):c.778G>T (p.Glu260Ter)

Gene: NTHL1 (nth like DNA glycosylase 1; minus strand). Cytogenetic location: 16p13.3.
Variant type: single nucleotide variant.
Coding change: c.778G>T on transcript NM_002528.7 (MANE Select); coding-DNA position 778, G replaced by T.
Protein change: p.Glu260Ter; replaces glutamic acid 260 with a stop codon.
Molecular consequence: nonsense.
Genome position (GRCh38, 1-based): chr16:2,040,146, C>A on the plus strand (G>T on the coding strand, the complement: NTHL1 is on the minus strand). VCF-style: chr16-2040146-C-A. GRCh37 (hg19) VCF-style: chr16-2090147-C-A.
Other names: c.802G>T (NM_002528.5, NM_002528.6); c.607G>T, p.Glu203Ter (NM_001318193.2); c.448G>T, p.Glu150Ter (NM_001318194.2); short protein forms E203*, E260*, E150*.
Identifiers: ClinVar variation 2087233 (VCV002087233.6), dbSNP rs2084241437, ClinGen allele CA394288709.
Genomic context (GRCh38, chr16:2,040,146, plus strand): 5'-GGGCGGGGTGAGCTCTTCTCCCTAGGAAGCCCCCCACATACTCATACCTAGGCAGCCACT[C>A]CTCCAGGGCGGCGCGGGTCTCCTCTGGGGACTTGGTTGCCTTCTTGGTCCACCTCAGCCT-3'